The following is an entry in ClinVar:

NM_006662.3(SRCAP):c.4055G>A (p.Arg1352Gln)

Gene: SRCAP (Snf2 related CREBBP activator protein; plus strand). Cytogenetic location: 16p11.2.
Variant type: single nucleotide variant.
Coding change: c.4055G>A on transcript NM_006662.3 (MANE Select); coding-DNA position 4055, G replaced by A.
Protein change: p.Arg1352Gln; replaces arginine 1352 with glutamine.
Molecular consequence: missense variant.
Genome position (GRCh38, 1-based): chr16:30,723,125, G>A. VCF-style: chr16-30723125-G-A. GRCh37 (hg19) VCF-style: chr16-30734446-G-A.
Other names: short protein forms R1352Q.
Identifiers: ClinVar variation 2627251 (VCV002627251.5), dbSNP rs748845038, ClinGen allele CA8011654.

ClinVar aggregate classification (germline): Uncertain significance. Review status: criteria provided, multiple submitters, no conflicts (2 of 4 stars). 3 submissions from 3 submitters: Uncertain significance (3). Last evaluated 2024-12-02.

Conditions:
Floating-Harbor syndrome (FLHS). Also called: SRCAP-Related Floating-Harbor Syndrome; Short stature with delayed bone age, expressive language delay, a triangular face with a prominent nose and deep-set eyes; Pelletier-Leisti syndrome. Identifiers: Orphanet 2044, MedGen C0729582, MONDO:0007621, OMIM 136140.
Developmental delay, hypotonia, musculoskeletal defects, and behavioral abnormalities. Identifiers: MedGen C5562012, MONDO:0859202, OMIM 619595.

Allele frequency attached by ClinVar (database versions not stated): gnomAD exomes 0.00002; ExAC 0.00003; gnomAD 0.00003; TOPMed 0.00005.
gnomAD v4.1: 27 of 1,613,872 alleles (0.0017%); highest among the groups gnomAD compares: Admixed American, 0.02%; no homozygotes.

Submissions (3):

Labcorp Genetics (formerly Invitae), Labcorp
Classification: Uncertain significance. Last evaluated: 2024-12-02. Review status: criteria provided, single submitter. Criteria: Invitae Variant Classification Sherloc (09022015). Collection method: clinical testing. Allele origin: germline.
Comment: This sequence change replaces arginine, which is basic and polar, with glutamine, which is neutral and polar, at codon 1352 of the SRCAP protein (p.Arg1352Gln). This variant is present in population databases (rs748845038, gnomAD 0.03%). This variant has not been reported in the literature in individuals affected with SRCAP-related conditions. ClinVar contains an entry for this variant (Variation ID: 2627251). Invitae Evidence Modeling of protein sequence and biophysical properties (such as structural, functional, and spatial information, amino acid conservation, physicochemical variation, residue mobility, and thermodynamic stability) indicates that this missense variant is not expected to disrupt SRCAP protein function with a negative predictive value of 80%. In summary, the available evidence is currently insufficient to determine the role of this variant in disease. Therefore, it has been classified as a Variant of Uncertain Significance.

Fulgent Genetics
Classification: Uncertain significance for Floating-Harbor syndrome; Developmental delay, hypotonia, musculoskeletal defects, and behavioral abnormalities. Last evaluated: 2024-01-22. Review status: criteria provided, single submitter. Criteria: ACMG Guidelines, 2015. Collection method: clinical testing. Allele origin: germline.

Women's Health and Genetics/Laboratory Corporation of America, LabCorp
Classification: Uncertain significance. Last evaluated: 2023-09-15. Review status: criteria provided, single submitter. Criteria: LabCorp Variant Classification Summary - May 2015. Collection method: clinical testing. Allele origin: germline.
Comment: Variant summary: SRCAP c.4055G>A (p.Arg1352Gln) results in a conservative amino acid change in the encoded protein sequence. Five of five in-silico tools predict a benign effect of the variant on protein function. The variant allele was found at a frequency of 4.4e-05 in 251466 control chromosomes (gnomAD). To our knowledge, no occurrence of c.4055G>A in individuals affected with Floating-Harbor Syndrome and no experimental evidence demonstrating its impact on protein function have been reported. No submitters have cited clinical-significance assessments for this variant to ClinVar after 2014. Based on the evidence outlined above, the variant was classified as uncertain significance.